The following is an entry in ClinVar:

NM_002055.5(GFAP):c.235C>A (p.Arg79Ser)

Gene: GFAP (glial fibrillary acidic protein; minus strand). Cytogenetic location: 17q21.31.
Variant type: single nucleotide variant.
Coding change: c.235C>A on transcript NM_002055.5 (MANE Select); coding-DNA position 235, C replaced by A.
Protein change: p.Arg79Ser; replaces arginine 79 with serine.
Molecular consequence: missense variant.
Genome position (GRCh38, 1-based): chr17:44,915,252, G>T on the plus strand (C>A on the coding strand, the complement: GFAP is on the minus strand). VCF-style: chr17-44915252-G-T. GRCh37 (hg19) VCF-style: chr17-42992620-G-T.
Other names: c.235C>A, p.Arg79Ser (NM_001131019.3, NM_001242376.3, NM_001363846.2); short protein forms R79S.
Identifiers: ClinVar variation 66469 (VCV000066469.8), dbSNP rs59793293, ClinGen allele CA217163.
Genomic context (GRCh38, chr17:44,915,252, plus strand): 5'-CAGCCAGCGCCTTGTTTTGCTGTTCCAGGAAGCGAACCTTCTCGATGTAGCTGGCAAAGC[G>T]GTCATTGAGCTCCATCATCTCTGCCCGCTCACTGGCCCGGGTCTCCTTGAAGCCAGCATT-3'
Protein context (NP_002046.1, residues 69-89): ERAEMMELND[Arg79Ser]FASYIEKVRF

ClinVar aggregate classification (germline): Uncertain significance. Review status: criteria provided, single submitter (1 of 4 stars). 2 submissions from 2 submitters: Uncertain significance (1). 1 of the submissions does not count toward it. Last evaluated 2022-08-11.

Submissions (2):

Labcorp Genetics (formerly Invitae), Labcorp
Classification: Uncertain significance. Last evaluated: 2022-08-11. Review status: criteria provided, single submitter. Criteria: Invitae Variant Classification Sherloc (09022015). Collection method: clinical testing. Allele origin: germline.
Comment: In summary, the available evidence is currently insufficient to determine the role of this variant in disease. Therefore, it has been classified as a Variant of Uncertain Significance. This variant disrupts the p.Arg79 amino acid residue in GFAP. Other variant(s) that disrupt this residue have been determined to be pathogenic (PMID: 11138011, 18584981, 23254569, 28882119). This suggests that this residue is clinically significant, and that variants that disrupt this residue are likely to be disease-causing. Algorithms developed to predict the effect of missense changes on protein structure and function (SIFT, PolyPhen-2, Align-GVGD) all suggest that this variant is likely to be disruptive. ClinVar contains an entry for this variant (Variation ID: 66469). This missense change has been observed in individual(s) with Alexander disease (PMID: 21917775). This variant is not present in population databases (gnomAD no frequency). This sequence change replaces arginine, which is basic and polar, with serine, which is neutral and polar, at codon 79 of the GFAP protein (p.Arg79Ser).

Epithelial Biology;  Institute of Medical Biology, Singapore
No classification provided. Review status: no classification provided. Collection method: not provided. Allele origin: not provided. Not counted in ClinVar's aggregate classification.

Literature cited by the submitters: PubMed 11138011 (cited by Labcorp Genetics (formerly Invitae), Labcorp); PubMed 18584981 (cited by Labcorp Genetics (formerly Invitae), Labcorp); PubMed 23254569 (cited by Labcorp Genetics (formerly Invitae), Labcorp); PubMed 28882119 (cited by Labcorp Genetics (formerly Invitae), Labcorp); PubMed 21917775 (cited by Labcorp Genetics (formerly Invitae), Labcorp).